The following is an entry in ClinVar:

ClinVar aggregate classification (germline): Uncertain significance. Review status: criteria provided, multiple submitters, no conflicts (2 of 4 stars). 2 submissions from 2 submitters: Uncertain significance (2). Last evaluated 2025-07-16.

gnomAD v4.1: 1 of 1,614,154 alleles (0.000062%); highest among the groups gnomAD compares: Non-Finnish European, 0.000085%; no homozygotes.

Submissions (2):

Mayo Clinic Laboratories, Mayo Clinic
Classification: Uncertain significance. Last evaluated: 2025-07-16. Review status: criteria provided, single submitter. Criteria: ACMG Guidelines, 2015. Collection method: clinical testing. Allele origin: germline. Observed: 1 variant allele.

GeneDx
Classification: Uncertain significance. Last evaluated: 2025-02-22. Review status: criteria provided, single submitter. Criteria: GeneDx Variant Classification Process June 2021. Collection method: clinical testing. Allele origin: germline. Affected: yes.
Comment: Not observed at significant frequency in large population cohorts (gnomAD); In silico analysis indicates that this missense variant does not alter protein structure/function; Has not been previously published as pathogenic or benign to our knowledge

NM_000146.4(FTL):c.307C>G (p.Leu103Val)

Gene: FTL (ferritin light chain; plus strand). Cytogenetic location: 19q13.33.
Variant type: single nucleotide variant.
Coding change: c.307C>G on transcript NM_000146.4 (MANE Select); coding-DNA position 307, C replaced by G.
Protein change: p.Leu103Val; replaces leucine 103 with valine.
Molecular consequence: missense variant.
Genome position (GRCh38, 1-based): chr19:48,966,338, C>G. VCF-style: chr19-48966338-C-G. GRCh37 (hg19) VCF-style: chr19-49469595-C-G.
Other names: p.Leu103Val; short protein forms L103V.
Identifiers: ClinVar variation 4076672 (VCV004076672.2).